The following is an entry in ClinVar:

ClinVar aggregate classification (germline): Conflicting classifications of pathogenicity. Review status: criteria provided, conflicting classifications (1 of 4 stars). 2 submissions from 2 submitters: Uncertain significance (1); Likely benign (1). Last evaluated 2024-05-03.

gnomAD v4.1: 6 of 1,613,640 alleles (0.00037%); highest among the groups gnomAD compares: Admixed American, 0.01%; no homozygotes.

Submissions (2):

Women's Health and Genetics/Laboratory Corporation of America, LabCorp
Classification: Uncertain significance. Last evaluated: 2024-05-03. Review status: criteria provided, single submitter. Criteria: LabCorp Variant Classification Summary - May 2015. Collection method: clinical testing. Allele origin: germline.
Comment: Variant summary: ABCC8 c.1672-13C>A alters a nucleotide located at a position not widely known to affect splicing. Several computational tools predict a significant impact on normal splicing: One predicts the variant has no significant impact on splicing, whereas three predict the variant weakens a 3' acceptor site. However, these predictions have yet to be confirmed by functional studies. The variant allele was found at a frequency of 2e-05 in 248198 control chromosomes (gnomAD). The available data on variant occurrences in the general population are insufficient to allow any conclusion about variant significance. To our knowledge, no occurrence of c.1672-13C>A in individuals affected with Familial Hyperinsulinism and no experimental evidence demonstrating its impact on protein function have been reported. No submitters have cited clinical-significance assessments for this variant to ClinVar. Based on the evidence outlined above, the variant was classified as uncertain significance.

Labcorp Genetics (formerly Invitae), Labcorp
Classification: Likely benign. Last evaluated: 2023-11-08. Review status: criteria provided, single submitter. Criteria: Invitae Variant Classification Sherloc (09022015). Collection method: clinical testing. Allele origin: germline.

NM_000352.6(ABCC8):c.1672-13C>A

Gene: ABCC8 (ATP binding cassette subfamily C member 8; minus strand). Cytogenetic location: 11p15.1.
Variant type: single nucleotide variant.
Coding change: c.1672-13C>A on transcript NM_000352.6 (MANE Select); 13 bases into the intron before coding-DNA position 1672, C replaced by A.
Molecular consequence: intron variant.
Genome position (GRCh38, 1-based): chr11:17,430,972, G>T on the plus strand (C>A on the coding strand, the complement: ABCC8 is on the minus strand). VCF-style: chr11-17430972-G-T. GRCh37 (hg19) VCF-style: chr11-17452519-G-T.
Other names: c.1669-13C>A (NM_001351297.2, NM_001351296.2); c.1672-13C>A (NM_001351295.2, NM_001287174.3).
Identifiers: ClinVar variation 3013796 (VCV003013796.4), dbSNP rs369655742, ClinGen allele CA5903471.